The following is an entry in ClinVar:

NM_000489.6(ATRX):c.763A>C (p.Thr255Pro)

Gene: ATRX (ATRX chromatin remodeler; minus strand). Cytogenetic location: Xq21.1.
Variant type: single nucleotide variant.
Coding change: c.763A>C on transcript NM_000489.6 (MANE Select); coding-DNA position 763, A replaced by C.
Protein change: p.Thr255Pro; replaces threonine 255 with proline.
Molecular consequence: missense variant.
Genome position (GRCh38, 1-based): chrX:77,684,493, T>G on the plus strand (A>C on the coding strand, the complement: ATRX is on the minus strand). VCF-style: chrX-77684493-T-G. GRCh37 (hg19) VCF-style: chrX-76939985-T-G.
Other names: c.649A>C, p.Thr217Pro (NM_138270.5); short protein forms T217P, T255P.
Identifiers: ClinVar variation 2446620 (VCV002446620.1), dbSNP rs1210722443, ClinGen allele CA413720721.
Genomic context (GRCh38, chrX:77,684,493, plus strand): 5'-CCAACAAAGGCTCTGGGTGACAAATGTAGCAATACCATTGGTTGTTTTCATCCATTATTG[T>G]GGACAACTCCTTTCGACCAAGGTTGCGTAGAATGCATTTCTTGCAGAAAGCATTATGGCA-3'
Protein context (NP_000480.3, residues 245-265): LRNLGRKELS[Thr255Pro]IMDENNQWYC

ClinVar aggregate classification (germline): Uncertain significance (1 of 4 stars; one submission).

Submission:

GeneDx
Classification: Uncertain significance. Last evaluated: 2022-09-28. Review status: criteria provided, single submitter. Criteria: GeneDx Variant Classification Process June 2021. Collection method: clinical testing. Allele origin: germline. Affected: yes.
Comment: Not observed at significant frequency in large population cohorts (gnomAD); In silico analysis supports that this missense variant does not alter protein structure/function; Has not been previously published as pathogenic or benign to our knowledge; This variant is associated with the following publications: (PMID: 18409179)